The following is an entry in ClinVar:

ClinVar aggregate classification (germline): Uncertain significance (1 of 4 stars; one submission).

Conditions:
Acyl-CoA dehydrogenase 9 deficiency. Also called: MITOCHONDRIAL COMPLEX I DEFICIENCY, NUCLEAR TYPE 20; Acyl-CoA dehydrogenase family, member 9, deficiency of. Identifiers: Orphanet 99901, MedGen C4747517, MONDO:0012624, OMIM 611126.

gnomAD v4.1: 4 of 1,614,158 alleles (0.00025%); highest among the groups gnomAD compares: African/African-American, 0.0013%; no homozygotes.

Submission:

Juno Genomics, Hangzhou Juno Genomics, Inc
Classification: Uncertain significance for Acyl-CoA dehydrogenase 9 deficiency. Review status: criteria provided, single submitter. Criteria: ACMG Guidelines, 2015. Collection method: clinical testing. Allele origin: germline. Affected: yes.
Comment: Absent from controls (or at extremely low frequency if recessive) in Genome Aggregation Database, Exome Sequencing Project, 1000 Genomes Project, or Exome Aggregation Consortium.;Multiple lines of computational evidence support a deleterious effect on the gene or gene product (conservation, evolutionary, splicing impact, etc).;For recessive disorders, detected in trans with a pathogenic variant.

NM_014049.5(ACAD9):c.1120G>A (p.Asp374Asn)

Gene: ACAD9 (acyl-CoA dehydrogenase family member 9; plus strand). Cytogenetic location: 3q21.3.
Variant type: single nucleotide variant.
Coding change: c.1120G>A on transcript NM_014049.5 (MANE Select); coding-DNA position 1120, G replaced by A.
Protein change: p.Asp374Asn; replaces aspartic acid 374 with asparagine.
Molecular consequence: missense variant. On other transcripts: non-coding transcript variant (1).
Genome position (GRCh38, 1-based): chr3:128,904,476, G>A. VCF-style: chr3-128904476-G-A. GRCh37 (hg19) VCF-style: chr3-128623319-G-A.
Other names: c.751G>A, p.Asp251Asn (NM_001410805.1); short protein forms D251N, D374N.
Identifiers: ClinVar variation 4796523 (VCV004796523.1).
Genomic context (GRCh38, chr3:128,904,476, plus strand): 5'-TACGTCATGGAGAGTATGACCTACCTCACAGCAGGGATGCTGGACCAACCTGGCTTTCCC[G>A]ACTGCTCCATCGAGGCAGCCATGGTGAAGGTAACCCTGGCATAGCCAGAGAGCTGGCGCT-3'
Protein context (NP_054768.2, residues 364-384): AGMLDQPGFP[Asp374Asn]CSIEAAMVKV